The following is an entry in ClinVar:

ClinVar aggregate classification (germline): Uncertain significance. Review status: criteria provided, multiple submitters, no conflicts (2 of 4 stars). 2 submissions from 2 submitters: Uncertain significance (2). Last evaluated 2025-10-28.

Conditions:
Gastrointestinal stromal tumor. Also called: Gastrointestinal stromal tumor, somatic; Gastrointestinal stroma tumor. Identifiers: Orphanet 44890, MedGen C0238198, MeSH D046152, MONDO:0011719, OMIM 606764, HP:0100723.
Pheochromocytoma/paraganglioma syndrome 3. Also called: GLOMUS TUMORS, FAMILIAL, 3; Paragangliomas 3; SDHC-Related Hereditary Paraganglioma-Pheochromocytoma Syndrome (Paragangliomas 3); SDHC-Related Hereditary Paraganglioma-Pheochromocytoma Syndrome. Identifiers: Orphanet 29072, MedGen C1854336, MONDO:0011544, OMIM 605373.
Hereditary cancer-predisposing syndrome. Also called: Hereditary Cancer Syndrome; Hereditary neoplastic syndrome; Neoplastic Syndromes, Hereditary; Tumor predisposition. Identifiers: Orphanet 140162, MedGen C0027672, MeSH D009386, MONDO:0015356.

Submissions (2):

Ambry Genetics
Classification: Uncertain significance for Hereditary cancer-predisposing syndrome. Last evaluated: 2025-10-28. Review status: criteria provided, single submitter. Criteria: Ambry Variant Classification Scheme 2023. Collection method: clinical testing. Allele origin: germline.
Comment: The p.F122C variant (also known as c.365T>G), located in coding exon 5 of the SDHC gene, results from a T to G substitution at nucleotide position 365. The phenylalanine at codon 122 is replaced by cysteine, an amino acid with highly dissimilar properties. This amino acid position is conserved. In addition, the in silico prediction for this alteration is inconclusive. Since supporting evidence is limited at this time, the clinical significance of this alteration remains unclear.

Labcorp Genetics (formerly Invitae), Labcorp
Classification: Uncertain significance for Pheochromocytoma/paraganglioma syndrome 3; Gastrointestinal stromal tumor. Last evaluated: 2024-10-30. Review status: criteria provided, single submitter. Criteria: Invitae Variant Classification Sherloc (09022015). Collection method: clinical testing. Allele origin: germline.
Comment: This sequence change replaces phenylalanine, which is neutral and non-polar, with cysteine, which is neutral and slightly polar, at codon 122 of the SDHC protein (p.Phe122Cys). This variant is not present in population databases (gnomAD no frequency). This variant has not been reported in the literature in individuals affected with SDHC-related conditions. ClinVar contains an entry for this variant (Variation ID: 2560329). An algorithm developed to predict the effect of missense changes on protein structure and function (PolyPhen-2) suggests that this variant is likely to be disruptive. In summary, the available evidence is currently insufficient to determine the role of this variant in disease. Therefore, it has been classified as a Variant of Uncertain Significance.

NM_003001.5(SDHC):c.365T>G (p.Phe122Cys)

Gene: SDHC (succinate dehydrogenase complex subunit C; plus strand). Cytogenetic location: 1q23.3.
Variant type: single nucleotide variant.
Coding change: c.365T>G on transcript NM_003001.5 (MANE Select); coding-DNA position 365, T replaced by G.
Protein change: p.Phe122Cys; replaces phenylalanine 122 with cysteine.
Molecular consequence: missense variant. On other transcripts: non-coding transcript variant (1), intron variant (3).
Genome position (GRCh38, 1-based): chr1:161,356,800, T>G. VCF-style: chr1-161356800-T-G. GRCh37 (hg19) VCF-style: chr1-161326590-T-G.
Other names: c.263T>G, p.Phe88Cys (NM_001035512.3); c.206T>G, p.Phe69Cys (NM_001035513.3); c.485T>G, p.Phe162Cys (NM_001407115.1); c.308T>G, p.Phe103Cys (NM_001407116.1); c.302T>G, p.Phe101Cys (NM_001407117.1); c.257T>G, p.Phe86Cys (NM_001407118.1); c.254T>G, p.Phe85Cys (NM_001407119.1, NM_001407120.1); c.242-5529T>G (NM_001035511.3); and 2 more; short protein forms F101C, F122C, F88C, F69C, F103C, F85C, F162C, F86C.
Identifiers: ClinVar variation 2560329 (VCV002560329.4), dbSNP rs2526537595, ClinGen allele CA343456637.
Genomic context (GRCh38, chr1:161,356,800, plus strand): 5'-TTGTGAAGTCCCTGTGTCTGGGGCCAGCACTGATCCACACAGCTAAGTTTGCACTTGTCT[T>G]CCCTCTCATGTATCATACCTGGAATGGGATCCGACACTTGGTAAGTTAATTCGGGATTTG-3'
Protein context (NP_002992.1, residues 112-132): LIHTAKFALV[Phe122Cys]PLMYHTWNGI